The following is an entry in ClinVar:

NM_003074.4(SMARCC1):c.2781+2dup

Gene: SMARCC1 (SWI/SNF related BAF chromatin remodeling complex subunit C1; minus strand). Cytogenetic location: 3p21.31.
Variant type: Duplication.
Coding change: c.2781+2dup on transcript NM_003074.4 (MANE Select); the canonical splice donor site of the intron after coding-DNA position 2781, one base duplicated (T; older notation c.2781+2dupT).
Molecular consequence: splice donor variant.
Genome position (GRCh38, 1-based): chr3:47,622,205, A duplicated on the plus strand (T on the coding strand, the reverse complement: SMARCC1 is on the minus strand). VCF-style (leftmost placement, unchanged base first): chr3-47622204-T-TA. GRCh37 (hg19) VCF-style: chr3-47663694-T-TA.
Identifiers: ClinVar variation 3363454 (VCV003363454.1).

ClinVar aggregate classification (germline): Uncertain significance (1 of 4 stars; one submission).

Submission:

GeneDx
Classification: Uncertain significance. Last evaluated: 2023-10-26. Review status: criteria provided, single submitter. Criteria: GeneDx Variant Classification Process June 2021. Collection method: clinical testing. Allele origin: germline. Affected: yes.
Comment: Not observed at significant frequency in large population cohorts (gnomAD); Canonical splice site variant in a gene for which loss-of-function is not an established mechanism of disease; Has not been previously published as pathogenic or benign to our knowledge; Variants in candidate genes are classified as variants of uncertain significance in accordance with ACMG guidelines (PMID: 25741868)